The following is an entry in ClinVar:

ClinVar aggregate classification (germline): Uncertain significance (1 of 4 stars; one submission).

Submission:

GeneDx
Classification: Uncertain significance. Last evaluated: 2022-01-06. Review status: criteria provided, single submitter. Criteria: GeneDx Variant Classification Process June 2021. Collection method: clinical testing. Allele origin: germline. Affected: yes.
Comment: Not observed at significant frequency in large population cohorts (gnomAD); In silico analysis supports that this missense variant does not alter protein structure/function; Has not been previously published as pathogenic or benign to our knowledge

NM_002024.6(FMR1):c.1037G>A (p.Gly346Glu)

Gene: FMR1 (fragile X messenger ribonucleoprotein 1; plus strand). Cytogenetic location: Xq27.3.
Variant type: single nucleotide variant.
Coding change: c.1037G>A on transcript NM_002024.6 (MANE Select); coding-DNA position 1037, G replaced by A.
Protein change: p.Gly346Glu; replaces glycine 346 with glutamic acid.
Molecular consequence: missense variant. On other transcripts: non-coding transcript variant (2).
Genome position (GRCh38, 1-based): chrX:147,937,512, G>A. VCF-style: chrX-147937512-G-A. GRCh37 (hg19) VCF-style: chrX-147019031-G-A.
Other names: c.1037G>A, p.Gly346Glu (NM_001185075.2, NM_001185076.2, NM_001185081.2 and 1 more transcripts); short protein forms G346E.
Identifiers: ClinVar variation 1695614 (VCV001695614.2), dbSNP rs2124541246, ClinGen allele CA414442231.
Genomic context (GRCh38, chrX:147,937,512, plus strand): 5'-TGTTTTTTACCAAGGAAATTATGCCACCAAATTCCCTTCCTTCCAATAATTCAAGGGTTG[G>A]ACCTAATGCCCCAGAAGAAAAAAAACATTTAGATATAAAGGAAAACAGCACCCATTTTTC-3'
Protein context (NP_002015.1, residues 336-356): NSLPSNNSRV[Gly346Glu]PNAPEEKKHL